The following is an entry in ClinVar:

ClinVar aggregate classification (germline): Likely benign. Review status: criteria provided, single submitter (1 of 4 stars). 2 submissions from 2 submitters: Likely benign (1). 1 of the submissions does not count toward it. Last evaluated 2026-01-20.

Conditions:
ZHX3-related disorder. Also called: ZHX3-related condition.

Allele frequency attached by ClinVar (database versions not stated): 1000 Genomes Project 0.00120; 1000 Genomes Project 30x 0.00125; ExAC 0.00266; gnomAD 0.00266 and 0.00259; gnomAD exomes 0.00279 and 0.00322; TOPMed 0.00251; ESP Exome Variant Server 0.00254.
gnomAD v4.1: 5,079 of 1,614,156 alleles (0.31%); highest among the groups gnomAD compares: Middle Eastern, 0.48%; 16 homozygotes.

Submissions (2):

Labcorp Genetics (formerly Invitae), Labcorp
Classification: Likely benign. Last evaluated: 2026-01-20. Review status: criteria provided, single submitter. Criteria: Invitae Variant Classification Sherloc (09022015). Collection method: clinical testing. Allele origin: germline.

PreventionGenetics, part of Exact Sciences
Classification: Likely benign for ZHX3-related condition. Last evaluated: 2021-12-01. Review status: no assertion criteria provided. Collection method: clinical testing. Allele origin: germline. Not counted in ClinVar's aggregate classification.
Comment: This variant is classified as likely benign based on ACMG/AMP sequence variant interpretation guidelines (Richards et al. 2015 PMID: 25741868, with internal and published modifications).

NM_001384317.1(ZHX3):c.2011G>A (p.Glu671Lys)

Gene: ZHX3 (zinc fingers and homeoboxes 3; minus strand). Cytogenetic location: 20q12.
Variant type: single nucleotide variant.
Coding change: c.2011G>A on transcript NM_001384317.1 (MANE Select); coding-DNA position 2011, G replaced by A.
Protein change: p.Glu671Lys; replaces glutamic acid 671 with lysine.
Molecular consequence: missense variant.
Genome position (GRCh38, 1-based): chr20:41,202,906, C>T on the plus strand (G>A on the coding strand, the complement: ZHX3 is on the minus strand). VCF-style: chr20-41202906-C-T. GRCh37 (hg19) VCF-style: chr20-39831546-C-T.
Other names: c.2011G>A (NM_015035.3); c.2011G>A, p.Glu671Lys (NM_001384315.1, NM_001384316.1, NM_001384318.1 and 8 more transcripts); short protein forms E671K.
Identifiers: ClinVar variation 1583961 (VCV001583961.10), dbSNP rs41277006, ClinGen allele CA9859850.